The following is an entry in ClinVar:

NM_020631.6(PLEKHG5):c.897G>A (p.Trp299Ter)

Gene: PLEKHG5 (pleckstrin homology and RhoGEF domain containing G5; minus strand). Cytogenetic location: 1p36.31.
Variant type: single nucleotide variant.
Coding change: c.897G>A on transcript NM_020631.6 (MANE Select); coding-DNA position 897, G replaced by A.
Protein change: p.Trp299Ter; replaces tryptophan 299 with a stop codon.
Molecular consequence: nonsense.
Genome position (GRCh38, 1-based): chr1:6,473,073, C>T on the plus strand (G>A on the coding strand, the complement: PLEKHG5 is on the minus strand). VCF-style: chr1-6473073-C-T. GRCh37 (hg19) VCF-style: chr1-6533133-C-T.
Other names: c.1008G>A, p.Trp336Ter (NM_001042663.3, NM_001265592.2); c.897G>A, p.Trp299Ter (NM_001042664.2, NM_001042665.2, NM_001265594.3 and 1 more transcripts); c.1104G>A, p.Trp368Ter (NM_001265593.2); short protein forms W299*, W336*, W368*.
Identifiers: ClinVar variation 3766642 (VCV003766642.1).

ClinVar aggregate classification (germline): Likely pathogenic (1 of 4 stars; one submission).

gnomAD v4.1: 2 of 1,613,926 alleles (0.00012%); highest among the groups gnomAD compares: Non-Finnish European, 0.00017%; no homozygotes.

Submission:

ARUP Laboratories, Molecular Genetics and Genomics, ARUP Laboratories
Classification: Likely pathogenic. Last evaluated: 2024-05-30. Review status: criteria provided, single submitter. Criteria: ARUP Molecular Germline Variant Investigation Process 2024. Collection method: clinical testing. Allele origin: germline.
Comment: The PLEKHG5 c.897G>A; p.Trp299Ter variant, to our knowledge, is not reported in the medical literature or gene specific databases. This variant is absent from the Genome Aggregation Database (v2.1.1), indicating it is not a common polymorphism. This variant induces an early termination codon and is predicted to result in a truncated protein or mRNA subject to nonsense-mediated decay. Based on available information, this variant is considered to be likely pathogenic.